The following is an entry in ClinVar:

NM_024741.3(ZNF408):c.350G>A (p.Trp117Ter)

Gene: ZNF408 (zinc finger protein 408; plus strand). Cytogenetic location: 11p11.2.
Variant type: single nucleotide variant.
Coding change: c.350G>A on transcript NM_024741.3 (MANE Select); coding-DNA position 350, G replaced by A.
Protein change: p.Trp117Ter; replaces tryptophan 117 with a stop codon.
Molecular consequence: nonsense.
Genome position (GRCh38, 1-based): chr11:46,702,723, G>A. VCF-style: chr11-46702723-G-A. GRCh37 (hg19) VCF-style: chr11-46724273-G-A.
Other names: c.326G>A, p.Trp109Ter (NM_001184751.2); short protein forms W109*, W117*.
Identifiers: ClinVar variation 3626795 (VCV003626795.2).

ClinVar aggregate classification (germline): Uncertain significance (1 of 4 stars; one submission).

gnomAD v4.1: 1 of 1,614,192 alleles (0.000062%); highest among the groups gnomAD compares: Admixed American, 0.0017%; no homozygotes.

Submission:

Labcorp Genetics (formerly Invitae), Labcorp
Classification: Uncertain significance. Last evaluated: 2024-08-27. Review status: criteria provided, single submitter. Criteria: Invitae Variant Classification Sherloc (09022015). Collection method: clinical testing. Allele origin: germline.
Comment: This sequence change creates a premature translational stop signal (p.Trp117*) in the ZNF408 gene. It is expected to result in an absent or disrupted protein product. However, the current clinical and genetic evidence is not sufficient to establish whether loss-of-function variants in ZNF408 cause disease. This variant is present in population databases (rs772551633, gnomAD 0.003%). This premature translational stop signal has been observed in individual(s) with clinical features of ZNF408-related conditions (PMID: 31175295). Algorithms developed to predict the effect of sequence changes on RNA splicing suggest that this variant may disrupt the consensus splice site. In summary, the available evidence is currently insufficient to determine the role of this variant in disease. Therefore, it has been classified as a Variant of Uncertain Significance.

Literature cited by the submitters: PubMed 31175295.